The following is an entry in ClinVar:

NM_001081.4(CUBN):c.4276G>A (p.Gly1426Arg)

Gene: CUBN (cubilin; minus strand). Cytogenetic location: 10p13.
Variant type: single nucleotide variant.
Coding change: c.4276G>A on transcript NM_001081.4 (MANE Select); coding-DNA position 4276, G replaced by A.
Protein change: p.Gly1426Arg; replaces glycine 1426 with arginine.
Molecular consequence: missense variant.
Genome position (GRCh38, 1-based): chr10:16,990,408, C>T on the plus strand (G>A on the coding strand, the complement: CUBN is on the minus strand). VCF-style: chr10-16990408-C-T. GRCh37 (hg19) VCF-style: chr10-17032407-C-T.
Other names: short protein forms G1426R.
Identifiers: ClinVar variation 2049228 (VCV002049228.4), dbSNP rs779349598, ClinGen allele CA5424434.

ClinVar aggregate classification (germline): Uncertain significance (1 of 4 stars; one submission).

Conditions:
Imerslund-Grasbeck syndrome. Also called: PERNICIOUS ANEMIA, JUVENILE, DUE TO SELECTIVE INTESTINAL MALABSORPTION OF VITAMIN B12, WITH PROTEINURIA; Megaloblastic anemia due to inborn errors of metabolism; ENTEROCYTE COBALAMIN MALABSORPTION; ENTEROCYTE INTRINSIC FACTOR RECEPTOR, DEFECT OF; Imerslund-Gräsbeck syndrome. Identifiers: Orphanet 35858, MedGen C4551825, MONDO:0009853.

Allele frequency attached by ClinVar (database versions not stated): gnomAD exomes 0.00001; gnomAD 0.00001; ExAC 0.00002.
gnomAD v4.1: 6 of 1,614,030 alleles (0.00037%); highest among the groups gnomAD compares: Admixed American, 0.0017%; no homozygotes.

Submission:

Labcorp Genetics (formerly Invitae), Labcorp
Classification: Uncertain significance for Imerslund-Grasbeck syndrome. Last evaluated: 2022-09-29. Review status: criteria provided, single submitter. Criteria: Invitae Variant Classification Sherloc (09022015). Collection method: clinical testing. Allele origin: germline.
Comment: This variant has not been reported in the literature in individuals affected with CUBN-related conditions. This variant is present in population databases (rs779349598, gnomAD 0.007%). This sequence change replaces glycine, which is neutral and non-polar, with arginine, which is basic and polar, at codon 1426 of the CUBN protein (p.Gly1426Arg). In summary, the available evidence is currently insufficient to determine the role of this variant in disease. Therefore, it has been classified as a Variant of Uncertain Significance. Advanced modeling of protein sequence and biophysical properties (such as structural, functional, and spatial information, amino acid conservation, physicochemical variation, residue mobility, and thermodynamic stability) performed at Invitae indicates that this missense variant is expected to disrupt CUBN protein function.